The following is an entry in ClinVar:

NM_152783.5(D2HGDH):c.320G>A (p.Arg107Gln)

Gene: D2HGDH (D-2-hydroxyglutarate dehydrogenase; plus strand). Cytogenetic location: 2q37.3.
Variant type: single nucleotide variant.
Coding change: c.320G>A on transcript NM_152783.5 (MANE Select); coding-DNA position 320, G replaced by A.
Protein change: p.Arg107Gln; replaces arginine 107 with glutamine.
Molecular consequence: missense variant. On other transcripts: 5 prime UTR variant (2), non-coding transcript variant (1).
Genome position (GRCh38, 1-based): chr2:241,741,060, G>A. VCF-style: chr2-241741060-G-A. GRCh37 (hg19) VCF-style: chr2-242680475-G-A.
Other names: c.-83G>A (NM_001287249.2); c.-225G>A (NM_001352824.2); short protein forms R107Q.
Identifiers: ClinVar variation 1986546 (VCV001986546.4), dbSNP rs142977491, ClinGen allele CA2221592.

ClinVar aggregate classification (germline): Uncertain significance (1 of 4 stars; one submission).

Conditions:
D-2-hydroxyglutaric aciduria 1 (D2HGA1). Identifiers: Orphanet 79315, MedGen C3152055, MONDO:0024554, OMIM 600721.

Allele frequency attached by ClinVar (database versions not stated): ExAC 0.00003; ESP Exome Variant Server 0.00008.
gnomAD v4.1: 32 of 1,614,010 alleles (0.002%); highest among the groups gnomAD compares: East Asian, 0.0045%; no homozygotes.

Submission:

Labcorp Genetics (formerly Invitae), Labcorp
Classification: Uncertain significance for D-2-hydroxyglutaric aciduria 1. Last evaluated: 2022-09-07. Review status: criteria provided, single submitter. Criteria: Invitae Variant Classification Sherloc (09022015). Collection method: clinical testing. Allele origin: germline.
Comment: This variant is present in population databases (rs142977491, gnomAD 0.008%). This sequence change replaces arginine, which is basic and polar, with glutamine, which is neutral and polar, at codon 107 of the D2HGDH protein (p.Arg107Gln). This variant has not been reported in the literature in individuals affected with D2HGDH-related conditions. Algorithms developed to predict the effect of missense changes on protein structure and function output the following: SIFT: "Tolerated"; PolyPhen-2: "Benign"; Align-GVGD: "Class C0". The glutamine amino acid residue is found in multiple mammalian species, which suggests that this missense change does not adversely affect protein function. In summary, the available evidence is currently insufficient to determine the role of this variant in disease. Therefore, it has been classified as a Variant of Uncertain Significance.